The following is an entry in ClinVar:

NM_002161.6(IARS1):c.2664T>C (p.Tyr888=)

Gene: IARS1 (isoleucyl-tRNA synthetase 1; minus strand). Cytogenetic location: 9q22.31.
Variant type: single nucleotide variant.
Coding change: c.2664T>C on transcript NM_002161.6 (MANE Select); coding-DNA position 2664, T replaced by C.
Protein change: p.Tyr888=; no amino-acid change (tyrosine 888 retained).
Molecular consequence: synonymous variant. On other transcripts: non-coding transcript variant (1).
Genome position (GRCh38, 1-based): chr9:92,247,504, A>G on the plus strand (T>C on the coding strand, the complement: IARS1 is on the minus strand). VCF-style: chr9-92247504-A-G. GRCh37 (hg19) VCF-style: chr9-95009786-A-G.
Other names: c.2589T>C, p.Tyr863= (NM_001374299.1, NM_001374300.1, NM_001378584.1); c.2580T>C, p.Tyr860= (NM_001374301.1); c.2727T>C, p.Tyr909= (NM_001378569.1); c.2685T>C, p.Tyr895= (NM_001378571.1); c.2664T>C, p.Tyr888= (NM_001378572.1, NM_001378573.1, NM_001378574.1 and 9 more transcripts); c.2568T>C, p.Tyr856= (NM_001378582.1); c.2541T>C, p.Tyr847= (NM_001378583.1); c.2664T>C (NM_002161.5).
Identifiers: ClinVar variation 2038962 (VCV002038962.6), dbSNP rs2230404, ClinGen allele CA5122124.

ClinVar aggregate classification (germline): Benign. Review status: criteria provided, single submitter (1 of 4 stars). 2 submissions from 2 submitters: Benign (1). 1 of the submissions does not count toward it. Last evaluated 2026-01-24.

Conditions:
IARS1-related disorder. Also called: IARS1-related condition.

Allele frequency attached by ClinVar (database versions not stated): gnomAD exomes 0.00507; ExAC 0.01811; gnomAD 0.05316; 1000 Genomes Project 0.05931; TOPMed 0.06069; ESP Exome Variant Server 0.06243; 1000 Genomes Project 30x 0.06324.
gnomAD v4.1: 15,758 of 1,614,098 alleles (0.98%); highest among the groups gnomAD compares: African/African-American, 19%; 1,347 homozygotes.

Submissions (2):

Labcorp Genetics (formerly Invitae), Labcorp
Classification: Benign. Last evaluated: 2026-01-24. Review status: criteria provided, single submitter. Criteria: Invitae Variant Classification Sherloc (09022015). Collection method: clinical testing. Allele origin: germline.

PreventionGenetics, part of Exact Sciences
Classification: Benign for IARS1-related condition. Last evaluated: 2019-11-26. Review status: no assertion criteria provided. Collection method: clinical testing. Allele origin: germline. Not counted in ClinVar's aggregate classification.
Comment: This variant is classified as benign based on ACMG/AMP sequence variant interpretation guidelines (Richards et al. 2015 PMID: 25741868, with internal and published modifications).